The following is an entry in ClinVar:

NM_005225.3(E2F1):c.1239C>T (p.Phe413=)

Gene: E2F1 (E2F transcription factor 1; minus strand). Cytogenetic location: 20q11.22.
Variant type: single nucleotide variant.
Coding change: c.1239C>T on transcript NM_005225.3 (MANE Select); coding-DNA position 1239, C replaced by T.
Protein change: p.Phe413=; no amino-acid change (phenylalanine 413 retained).
Molecular consequence: synonymous variant.
Genome position (GRCh38, 1-based): chr20:33,676,807, G>A on the plus strand (C>T on the coding strand, the complement: E2F1 is on the minus strand). VCF-style: chr20-33676807-G-A. GRCh37 (hg19) VCF-style: chr20-32264613-G-A.
Identifiers: ClinVar variation 3043057 (VCV003043057.2), dbSNP rs535111025, ClinGen allele CA9818540.

ClinVar aggregate classification (germline): Likely benign (0 of 4 stars; one submission).

Conditions:
E2F1-related disorder. Also called: E2F1-related condition.

Allele frequency attached by ClinVar (database versions not stated): TOPMed below 0.00001; gnomAD 0.00005; gnomAD exomes 0.00005; ExAC 0.00016; 1000 Genomes Project 30x 0.00031; 1000 Genomes Project 0.00040.
gnomAD v4.1: 76 of 1,602,412 alleles (0.0047%); highest among the groups gnomAD compares: South Asian, 0.068%; no homozygotes.

Submission:

PreventionGenetics, part of Exact Sciences
Classification: Likely benign for E2F1-related condition. Last evaluated: 2019-07-01. Review status: no assertion criteria provided. Collection method: clinical testing. Allele origin: germline.
Comment: This variant is classified as likely benign based on ACMG/AMP sequence variant interpretation guidelines (Richards et al. 2015 PMID: 25741868, with internal and published modifications).